The following is an entry in ClinVar:

ClinVar aggregate classification (germline): Uncertain significance (1 of 4 stars; one submission).

Conditions:
T-cell immunodeficiency, congenital alopecia, and nail dystrophy. Also called: Congenital alopecia and nail dystrophy associated with severe functional T-cell immunodeficiency; Pignata Guarino syndrome. Identifiers: Orphanet 169095, MedGen C1866426, MONDO:0011132, OMIM 601705.

Allele frequency attached by ClinVar (database versions not stated): TOPMed below 0.00001; gnomAD 0.00001; gnomAD exomes 0.00001; ExAC 0.00002.
gnomAD v4.1: 19 of 1,613,940 alleles (0.0012%); highest among the groups gnomAD compares: Admixed American, 0.0017%; no homozygotes.

Submission:

Labcorp Genetics (formerly Invitae), Labcorp
Classification: Uncertain significance for T-cell immunodeficiency, congenital alopecia, and nail dystrophy. Last evaluated: 2025-08-21. Review status: criteria provided, single submitter. Criteria: Invitae Variant Classification Sherloc (09022015). Collection method: clinical testing. Allele origin: germline.
Comment: This sequence change replaces glycine, which is neutral and non-polar, with serine, which is neutral and polar, at codon 595 of the FOXN1 protein (p.Gly595Ser). This variant is present in population databases (rs762706851, gnomAD 0.003%). This variant has not been reported in the literature in individuals affected with FOXN1-related conditions. ClinVar contains an entry for this variant (Variation ID: 864005). Invitae Evidence Modeling of protein sequence and biophysical properties (such as structural, functional, and spatial information, amino acid conservation, physicochemical variation, residue mobility, and thermodynamic stability) indicates that this missense variant is not expected to disrupt FOXN1 protein function with a negative predictive value of 80%. In summary, the available evidence is currently insufficient to determine the role of this variant in disease. Therefore, it has been classified as a Variant of Uncertain Significance.

NM_001369369.1(FOXN1):c.1783G>A (p.Gly595Ser)

Gene: FOXN1 (forkhead box N1; plus strand). Cytogenetic location: 17q11.2.
Variant type: single nucleotide variant.
Coding change: c.1783G>A on transcript NM_001369369.1 (MANE Select); coding-DNA position 1783, G replaced by A.
Protein change: p.Gly595Ser; replaces glycine 595 with serine.
Molecular consequence: missense variant.
Genome position (GRCh38, 1-based): chr17:28,537,272, G>A. VCF-style: chr17-28537272-G-A. GRCh37 (hg19) VCF-style: chr17-26864290-G-A.
Other names: c.1783G>A, p.Gly595Ser (NM_003593.3); short protein forms G595S.
Identifiers: ClinVar variation 864005 (VCV000864005.5), dbSNP rs762706851, ClinGen allele CA8459625.